The following is an entry in ClinVar:

ClinVar aggregate classification (germline): Uncertain significance (1 of 4 stars; one submission).

Submission:

Labcorp Genetics (formerly Invitae), Labcorp
Classification: Uncertain significance. Last evaluated: 2026-01-01. Review status: criteria provided, single submitter. Criteria: Invitae Variant Classification Sherloc (09022015). Collection method: clinical testing. Allele origin: germline.
Comment: This sequence change affects codon 81 of the GAS1 mRNA. It is a 'silent' change, meaning that it does not change the encoded amino acid sequence of the GAS1 protein. This variant is present in population databases (rs752317122, gnomAD 0.04%). This variant has not been reported in the literature in individuals affected with GAS1-related conditions. Experimental studies and prediction algorithms are not available or were not evaluated, and the effect of this variant on mRNA splicing is currently unknown. In summary, the available evidence is currently insufficient to determine the role of this variant in disease. Therefore, it has been classified as a Variant of Uncertain Significance.

NM_002048.3(GAS1):c.243G>C (p.Gly81=)

Genes: GAS1 (growth arrest specific 1; minus strand), LOC130001972 (ATAC-STARR-seq lymphoblastoid silent region 19998; plus strand). Cytogenetic location: 9q21.33.
Variant type: single nucleotide variant.
Coding change: c.243G>C on transcript NM_002048.3 (MANE Select); coding-DNA position 243, G replaced by C.
Protein change: p.Gly81=; no amino-acid change (glycine 81 retained).
Molecular consequence: synonymous variant.
Genome position (GRCh38, 1-based): chr9:86,946,537, C>G on the plus strand (G>C on the coding strand, the complement: GAS1 is on the minus strand). VCF-style: chr9-86946537-C-G. GRCh37 (hg19) VCF-style: chr9-89561452-C-G.
Identifiers: ClinVar variation 4751441 (VCV004751441.1).